The following is an entry in ClinVar:

ClinVar aggregate classification (germline): Uncertain significance. Review status: criteria provided, multiple submitters, no conflicts (2 of 4 stars). 3 submissions from 3 submitters: Uncertain significance (3). Last evaluated 2026-08-03.

Conditions:
Inborn genetic diseases. Identifiers: MedGen C0950123, MeSH D030342.
Donnai-Barrow syndrome. Also called: DBS/FOAR SYNDROME; FACIOOCULOACOUSTICORENAL SYNDROME. Identifiers: Orphanet 2143, MedGen C1857277, MONDO:0009104, OMIM 222448.
LRP2-related disorder. Also called: LRP2-related condition.

Allele frequency attached by ClinVar (database versions not stated): gnomAD exomes below 0.00001; gnomAD 0.00001; TOPMed 0.00001.
gnomAD v4.1: 6 of 1,610,970 alleles (0.00037%); highest among the groups gnomAD compares: Non-Finnish European, 0.00042%; no homozygotes.

Submissions (3):

PreventionGenetics, part of Exact Sciences
Classification: Uncertain significance for LRP2-related condition. Last evaluated: 2026-08-03. Review status: criteria provided, single submitter. Criteria: ACMG Guidelines, 2015. Collection method: clinical testing. Allele origin: germline.
Comment: The LRP2 c.559G>A variant is predicted to result in the amino acid substitution p.Glu187Lys. To our knowledge, this variant has not been reported in the literature or in a large population database (gnomAD), indicating this variant is rare. At this time, the clinical significance of this variant is uncertain due to the absence of conclusive functional and genetic evidence.

Fulgent Genetics
Classification: Uncertain significance for Donnai-Barrow syndrome. Last evaluated: 2024-04-24. Review status: criteria provided, single submitter. Criteria: ACMG Guidelines, 2015. Collection method: clinical testing. Allele origin: germline.

Ambry Genetics
Classification: Uncertain significance for Inborn genetic diseases. Last evaluated: 2023-02-16. Review status: criteria provided, single submitter. Criteria: Ambry Variant Classification Scheme 2023. Collection method: clinical testing. Allele origin: germline.

NM_004525.3(LRP2):c.559G>A (p.Glu187Lys)

Gene: LRP2 (LDL receptor related protein 2; minus strand). Cytogenetic location: 2q31.1.
Variant type: single nucleotide variant.
Coding change: c.559G>A on transcript NM_004525.3 (MANE Select); coding-DNA position 559, G replaced by A.
Protein change: p.Glu187Lys; replaces glutamic acid 187 with lysine.
Molecular consequence: missense variant.
Genome position (GRCh38, 1-based): chr2:169,294,241, C>T on the plus strand (G>A on the coding strand, the complement: LRP2 is on the minus strand). VCF-style: chr2-169294241-C-T. GRCh37 (hg19) VCF-style: chr2-170150751-C-T.
Other names: short protein forms E187K.
Identifiers: ClinVar variation 2485615 (VCV002485615.4), dbSNP rs1411684306, ClinGen allele CA349163282.